The following is an entry in ClinVar:

ClinVar aggregate classification (germline): Likely pathogenic (1 of 4 stars; one submission).

Conditions:
BAP1-related tumor predisposition syndrome (TPDS1). Also called: Tumor susceptibility linked to germline BAP1 mutations; BAP1 tumor predisposition syndrome; COMMON Syndrome; TUMOR PREDISPOSITION SYNDROME 1. Identifiers: Orphanet 289539, MedGen C3280492, MONDO:0013692, OMIM 614327.

Submission:

Labcorp Genetics (formerly Invitae), Labcorp
Classification: Likely pathogenic for BAP1-related tumor predisposition syndrome. Last evaluated: 2020-02-11. Review status: criteria provided, single submitter. Criteria: Invitae Variant Classification Sherloc (09022015). Collection method: clinical testing. Allele origin: germline.
Comment: In summary, the currently available evidence indicates that the variant is pathogenic, but additional data are needed to prove that conclusively. Therefore, this variant has been classified as Likely Pathogenic. Donor and acceptor splice site variants typically lead to a loss of protein function (PMID: 16199547), and loss-of-function variants in BAP1 are known to be pathogenic (PMID: 21874000, 23684012). Algorithms developed to predict the effect of sequence changes on RNA splicing suggest that this variant may disrupt the consensus splice site, but this prediction has not been confirmed by published transcriptional studies. This variant is not present in population databases (ExAC no frequency). This sequence change affects a donor splice site in intron 5 of the BAP1 gene. It is expected to disrupt RNA splicing and likely results in an absent or disrupted protein product.

Literature cited by the submitters: PubMed 16199547; PubMed 21874000; PubMed 23684012.

NM_004656.4(BAP1):c.375+2T>A

Gene: BAP1 (BRCA1 associated deubiquitinase 1; minus strand). Cytogenetic location: 3p21.1.
Variant type: single nucleotide variant.
Coding change: c.375+2T>A on transcript NM_004656.4 (MANE Select); the canonical splice donor site of the intron after coding-DNA position 375, T replaced by A.
Molecular consequence: splice donor variant.
Genome position (GRCh38, 1-based): chr3:52,407,956, A>T on the plus strand (T>A on the coding strand, the complement: BAP1 is on the minus strand). VCF-style: chr3-52407956-A-T. GRCh37 (hg19) VCF-style: chr3-52441972-A-T.
Other names: c.375+2T>A (NM_001410772.1).
Identifiers: ClinVar variation 1067398 (VCV001067398.5), dbSNP rs2153228069, ClinGen allele CA353111609.